The following is an entry in ClinVar:

ClinVar aggregate classification (germline): Uncertain significance (1 of 4 stars; one submission).

Conditions:
Hereditary sensory and autonomic neuropathy type 6. Also called: Neuropathy, hereditary sensory and autonomic, type VI; HSAN VI. Identifiers: Orphanet 314381, MedGen C3539003, MONDO:0013839, OMIM 614653.
Epidermolysis bullosa simplex 3, localized or generalized intermediate, with BP230 deficiency (EBS3). Also called: Epidermolysis bullosa simplex due to BP230 deficiency; Epidermolysis bullosa simplex, autosomal recessive 2. Identifiers: Orphanet 412181, MedGen C3809470, MONDO:0014180, OMIM 615425.

Allele frequency attached by ClinVar (database versions not stated): gnomAD 0.00001; TOPMed 0.00001.
gnomAD v4.1: 2 of 1,602,678 alleles (0.00012%); highest among the groups gnomAD compares: African/African-American, 0.0013%; no homozygotes.

Submission:

Labcorp Genetics (formerly Invitae), Labcorp
Classification: Uncertain significance for Epidermolysis bullosa simplex 3, localized or generalized intermediate, with BP230 deficiency; Hereditary sensory and autonomic neuropathy type 6. Last evaluated: 2020-11-15. Review status: criteria provided, single submitter. Criteria: Invitae Variant Classification Sherloc (09022015). Collection method: clinical testing. Allele origin: germline.
Comment: In summary, the available evidence is currently insufficient to determine the role of this variant in disease. Therefore, it has been classified as a Variant of Uncertain Significance. Experimental studies and prediction algorithms are not available or were not evaluated, and the functional significance of this variant is currently unknown. This variant has not been reported in the literature in individuals with DST-related conditions. This variant is not present in population databases (ExAC no frequency). This sequence change replaces valine with isoleucine at codon 1689 of the DST protein (p.Val1689Ile). The DST gene has multiple clinically relevant transcripts. This variant occurs in alternate transcript NM_015548.4, and corresponds to NM_001723.5:c.*36610G>A in the primary transcript.

NM_001374736.1(DST):c.12934G>A (p.Val4312Ile)

Gene: DST (dystonin; minus strand). Cytogenetic location: 6p12.1.
Variant type: single nucleotide variant.
Coding change: c.12934G>A on transcript NM_001374736.1 (MANE Select); coding-DNA position 12934, G replaced by A.
Protein change: p.Val4312Ile; replaces valine 4312 with isoleucine.
Molecular consequence: missense variant.
Genome position (GRCh38, 1-based): chr6:56,578,907, C>T on the plus strand (G>A on the coding strand, the complement: DST is on the minus strand). VCF-style: chr6-56578907-C-T. GRCh37 (hg19) VCF-style: chr6-56443705-C-T.
Other names: c.6577G>A, p.Val2193Ile (NM_001144769.5); c.6163G>A, p.Val2055Ile (NM_001144770.2); c.12934G>A, p.Val4312Ile (NM_001374722.1); c.12301G>A, p.Val4101Ile (NM_001374729.1); c.6043G>A, p.Val2015Ile (NM_001374730.1, NM_001386100.1, NM_183380.4); c.12961G>A, p.Val4321Ile (NM_001374734.1); c.5065G>A, p.Val1689Ile (NM_015548.5); short protein forms V2193I, V4312I, V1689I, V2015I, V2055I, V4101I, V4321I.
Identifiers: ClinVar variation 1479870 (VCV001479870.4), dbSNP rs1288369513, ClinGen allele CA364521265.